The following is an entry in ClinVar:

NM_005751.5(AKAP9):c.11305G>A (p.Val3769Ile)

Gene: AKAP9 (A-kinase anchoring protein 9; plus strand). Cytogenetic location: 7q21.2.
Variant type: single nucleotide variant.
Coding change: c.11305G>A on transcript NM_005751.5 (MANE Select); coding-DNA position 11305, G replaced by A.
Protein change: p.Val3769Ile; replaces valine 3769 with isoleucine.
Molecular consequence: missense variant.
Genome position (GRCh38, 1-based): chr7:92,102,801, G>A. VCF-style: chr7-92102801-G-A. GRCh37 (hg19) VCF-style: chr7-91732115-G-A.
Other names: c.5950G>A, p.Val1984Ile (NM_001379277.1); c.11281G>A, p.Val3761Ile (NM_147185.3); short protein forms V3769I, V3761I, V1984I.
Identifiers: ClinVar variation 666369 (VCV000666369.4), dbSNP rs537499946, ClinGen allele CA4338143.
Genomic context (GRCh38, chr7:92,102,801, plus strand): 5'-TTCACGGATCTAGAGGTGATCACCAATCGCCCAAAGGGCTTCACCAGGTTTCGGTCGGCC[G>A]TCAGAGTATCCATTGCAATTTCCAGGTAAAGACTTGAAGGAAAATGCATTTTACTAGTAG-3'
Protein context (NP_005742.4, residues 3759-3779): PKGFTRFRSA[Val3769Ile]RVSIAISRMK

ClinVar aggregate classification (germline): Conflicting classifications of pathogenicity. Review status: criteria provided, conflicting classifications (1 of 4 stars). 2 submissions from 2 submitters: Uncertain significance (1); Likely benign (1). Last evaluated 2024-04-15.

Conditions:
Cardiovascular phenotype. Identifiers: MedGen CN230736.
Long QT syndrome (LQTS). Identifiers: MedGen C0023976, MeSH D008133, MONDO:0002442. Disease mechanism: loss of function. Inheritance: Various modes of inheritance.

Allele frequency attached by ClinVar (database versions not stated): gnomAD 0.00002; TOPMed 0.00002; ExAC 0.00006; 1000 Genomes Project 30x 0.00047; 1000 Genomes Project 0.00060.
gnomAD v4.1: 27 of 1,614,174 alleles (0.0017%); highest among the groups gnomAD compares: South Asian, 0.019%; no homozygotes.

Submissions (2):

Labcorp Genetics (formerly Invitae), Labcorp
Classification: Uncertain significance for Long QT syndrome. Last evaluated: 2024-04-15. Review status: criteria provided, single submitter. Criteria: Invitae Variant Classification Sherloc (09022015). Collection method: clinical testing. Allele origin: germline.
Comment: This sequence change replaces valine, which is neutral and non-polar, with isoleucine, which is neutral and non-polar, at codon 3769 of the AKAP9 protein (p.Val3769Ile). This variant is present in population databases (rs537499946, gnomAD 0.03%). This variant has not been reported in the literature in individuals affected with AKAP9-related conditions. ClinVar contains an entry for this variant (Variation ID: 666369). An algorithm developed to predict the effect of missense changes on protein structure and function (PolyPhen-2) suggests that this variant is likely to be disruptive. In summary, the available evidence is currently insufficient to determine the role of this variant in disease. Therefore, it has been classified as a Variant of Uncertain Significance.

Ambry Genetics
Classification: Likely benign for Cardiovascular phenotype. Last evaluated: 2022-06-29. Review status: criteria provided, single submitter. Criteria: Ambry Variant Classification Scheme 2023. Collection method: clinical testing. Allele origin: germline.